The following is an entry in ClinVar:

ClinVar aggregate classification (germline): Uncertain significance. Review status: criteria provided, multiple submitters, no conflicts (2 of 4 stars). 2 submissions from 2 submitters: Uncertain significance (2). Last evaluated 2024-08-28.

Conditions:
Inborn genetic diseases. Identifiers: MedGen C0950123, MeSH D030342.

gnomAD v4.1: 2 of 1,614,150 alleles (0.00012%); highest among the groups gnomAD compares: African/African-American, 0.0027%; no homozygotes.

Submissions (2):

Ambry Genetics
Classification: Uncertain significance for Inborn genetic diseases. Last evaluated: 2024-08-28. Review status: criteria provided, single submitter. Criteria: Ambry Variant Classification Scheme 2023. Collection method: clinical testing. Allele origin: germline.

CeGaT Center for Human Genetics Tuebingen
Classification: Uncertain significance. Last evaluated: 2023-01-01. Review status: criteria provided, single submitter. Criteria: CeGaT Center For Human Genetics Tuebingen Variant Classification Criteria Version 2. Collection method: clinical testing. Allele origin: germline. Affected: yes. Observed: 1 variant allele.
Comment: EVC2: PM2, BP4

NM_147127.5(EVC2):c.3610A>T (p.Ile1204Leu)

Gene: EVC2 (EvC ciliary complex subunit 2; minus strand). Cytogenetic location: 4p16.2.
Variant type: single nucleotide variant.
Coding change: c.3610A>T on transcript NM_147127.5 (MANE Select); coding-DNA position 3610, A replaced by T.
Protein change: p.Ile1204Leu; replaces isoleucine 1204 with leucine.
Molecular consequence: missense variant.
Genome position (GRCh38, 1-based): chr4:5,565,307, T>A on the plus strand (A>T on the coding strand, the complement: EVC2 is on the minus strand). VCF-style: chr4-5565307-T-A. GRCh37 (hg19) VCF-style: chr4-5567034-T-A.
Other names: c.3610A>T (NM_147127.4); c.3370A>T, p.Ile1124Leu (NM_001166136.2); short protein forms I1124L, I1204L.
Identifiers: ClinVar variation 2654608 (VCV002654608.25), dbSNP rs1486452636, ClinGen allele CA356148079.